The following is an entry in ClinVar:

ClinVar aggregate classification (germline): Uncertain significance (1 of 4 stars; one submission).

Conditions:
Ataxia-telangiectasia syndrome (AT). Also called: Ataxia telangiectasia (A-T); ATAXIA-TELANGIECTASIA, COMPLEMENTATION GROUP A; ATAXIA-TELANGIECTASIA, FRESNO VARIANT; Ataxia-telangiectasia; Ataxia-telangiectasia, complementation group E; LOUIS-BAR SYNDROME. Identifiers: Orphanet 100, MedGen C0004135, MONDO:0008840, OMIM 208900.

Submission:

Labcorp Genetics (formerly Invitae), Labcorp
Classification: Uncertain significance for Ataxia-telangiectasia syndrome. Last evaluated: 2018-03-24. Review status: criteria provided, single submitter. Criteria: Invitae Variant Classification Sherloc (09022015). Collection method: clinical testing. Allele origin: germline.
Comment: In summary, the available evidence is currently insufficient to determine the role of this variant in disease. Therefore, it has been classified as a Variant of Uncertain Significance. Algorithms developed to predict the effect of missense changes on protein structure and function (SIFT, PolyPhen-2, Align-GVGD) all suggest that this variant is likely to be tolerated, but these predictions have not been confirmed by published functional studies and their clinical significance is uncertain. This variant has not been reported in the literature in individuals with ATM-related disease. This variant is not present in population databases (ExAC no frequency). This sequence change replaces methionine with arginine at codon 2531 of the ATM protein (p.Met2531Arg). The methionine residue is moderately conserved and there is a moderate physicochemical difference between methionine and arginine.

NM_000051.4(ATM):c.7592T>G (p.Met2531Arg)

Genes: ATM (ATM serine/threonine kinase; plus strand), C11orf65 (chromosome 11 open reading frame 65; minus strand). Cytogenetic location: 11q22.3.
Variant type: single nucleotide variant.
Coding change: c.7592T>G on transcript NM_000051.4 (MANE Select); coding-DNA position 7592, T replaced by G.
Protein change: p.Met2531Arg; replaces methionine 2531 with arginine.
Molecular consequence: missense variant. On other transcripts: non-coding transcript variant (1), intron variant (2).
Genome position (GRCh38, 1-based): chr11:108,331,520, T>G. VCF-style: chr11-108331520-T-G. GRCh37 (hg19) VCF-style: chr11-108202247-T-G.
Other names: c.7592T>G, p.Met2531Arg (NM_001351834.2); c.641-22449A>C (NM_001330368.2); c.*38+3700A>C (NM_001351110.2); short protein forms M2531R.
Identifiers: ClinVar variation 1019347 (VCV001019347.9), dbSNP rs587781365, ClinGen allele CA382560795.
Genomic context (GRCh38, chr11:108,331,520, plus strand): 5'-TTCCAACATATAAATTTTTGCCTCTTATGTACCAATTGGCTGCTAGAATGGGGACCAAGA[T>G]GATGGGAGGCCTAGGATTTCATGAAGTCCTCAATAATGTAAGTAAACCTGAAAATCAAAC-3'
Protein context (NP_000042.3, residues 2521-2541): YQLAARMGTK[Met2531Arg]MGGLGFHEVL